The following is an entry in ClinVar:

ClinVar aggregate classification (germline): Likely pathogenic (1 of 4 stars; one submission).

Allele frequency attached by ClinVar (database versions not stated): gnomAD exomes below 0.00001 and 0.00002; ExAC 0.00001; TOPMed 0.00002.
gnomAD v4.1: 7 of 1,613,636 alleles (0.00043%); highest among the groups gnomAD compares: Admixed American, 0.0033%; no homozygotes.

Submission:

GeneDx
Classification: Likely pathogenic. Last evaluated: 2020-03-13. Review status: criteria provided, single submitter. Criteria: GeneDx Variant Classification Process June 2021. Collection method: clinical testing. Allele origin: germline. Affected: yes.
Comment: Not observed at a significant frequency in large population cohorts (Lek et al., 2016); In silico analysis supports that this missense variant has a deleterious effect on protein structure/function; Has not been previously published as pathogenic or benign to our knowledge; This variant is associated with the following publications: (PMID: 31589614)

NM_002496.4(NDUFS8):c.436G>A (p.Asp146Asn)

Gene: NDUFS8 (NADH:ubiquinone oxidoreductase core subunit S8; plus strand). Cytogenetic location: 11q13.2.
Variant type: single nucleotide variant.
Coding change: c.436G>A on transcript NM_002496.4 (MANE Select); coding-DNA position 436, G replaced by A.
Protein change: p.Asp146Asn; replaces aspartic acid 146 with asparagine.
Molecular consequence: missense variant.
Genome position (GRCh38, 1-based): chr11:68,036,316, G>A. VCF-style: chr11-68036316-G-A. GRCh37 (hg19) VCF-style: chr11-67803783-G-A.
Other names: short protein forms D146N.
Identifiers: ClinVar variation 429611 (VCV000429611.3), dbSNP rs750075208, ClinGen allele CA6146533.